The following is an entry in ClinVar:

NM_004817.4(TJP2):c.1845dup (p.Glu616Ter)

Gene: TJP2 (tight junction protein 2; plus strand). Cytogenetic location: 9q21.11.
Variant type: Duplication.
Coding change: c.1845dup on transcript NM_004817.4 (MANE Select); coding-DNA position 1845, one base duplicated (T; older notation c.1845dupT).
Protein change: p.Glu616Ter; replaces glutamic acid 616 with a stop codon.
Molecular consequence: nonsense.
Genome position (GRCh38, 1-based): chr9:69,236,092, T duplicated. VCF-style (leftmost placement, unchanged base first): chr9-69236091-G-GT. GRCh37 (hg19) VCF-style: chr9-71851007-G-GT.
Other names: c.1776dup, p.Glu593Ter (NM_001170414.2, NM_001369871.1); c.1857dup, p.Glu620Ter (NM_001170415.1, NM_001369874.1, NM_001369875.1); c.1938dup, p.Glu647Ter (NM_001170416.2); c.1770dup, p.Glu591Ter (NM_001369870.1); c.1845dup, p.Glu616Ter (NM_001369872.1, NM_001369873.1, NM_201629.3); short protein forms E591*, E593*, E647*, E616*, E620*.
Identifiers: ClinVar variation 4730194 (VCV004730194.1).

ClinVar aggregate classification (germline): Pathogenic (1 of 4 stars; one submission).

Submission:

Labcorp Genetics (formerly Invitae), Labcorp
Classification: Pathogenic. Last evaluated: 2025-10-29. Review status: criteria provided, single submitter. Criteria: Invitae Variant Classification Sherloc (09022015). Collection method: clinical testing. Allele origin: germline.
Comment: This sequence change creates a premature translational stop signal (p.Glu616*) in the TJP2 gene. It is expected to result in an absent or disrupted protein product. Loss-of-function variants in TJP2 are known to be pathogenic (PMID: 24614073, 25921221, 28039895). This variant is present in population databases (rs753166171, gnomAD 0.007%). This variant has not been reported in the literature in individuals affected with TJP2-related conditions. For these reasons, this variant has been classified as Pathogenic.

Literature cited by the submitters: PubMed 24614073; PubMed 25921221; PubMed 28039895.